The following is an entry in ClinVar:

ClinVar aggregate classification (germline): Pathogenic (1 of 4 stars; one submission).

Conditions:
Deafness-lymphedema-leukemia syndrome. Also called: Emberger syndrome; Lymphedema, primary, with myelodysplasia. Identifiers: Orphanet 3226, MedGen C3279664, MONDO:0013540, OMIM 614038.
GATA2 deficiency with susceptibility to MDS/AML. Identifiers: MedGen CN300066, MONDO:0042982.

Submission:

Molecular Pathology Research Laboratory, SA Pathology
Classification: Pathogenic for GATA2 deficiency with susceptibility to MDS/AML; Deafness-lymphedema-leukemia syndrome. Last evaluated: 2021-07-06. Review status: criteria provided, single submitter. Criteria: ACMG Guidelines, 2015. Collection method: curation. Allele origin: germline. Inheritance: Autosomal dominant inheritance. Affected: yes. Observed: 3 variant alleles. Clinical features observed: Immunodeficiency, Myelodysplasia, Acute Myeloid Leukemia.
Comment: PVS1, PS4_Moderate, PM2

Literature cited by the submitters: PubMed 26022708.

NM_032638.5(GATA2):c.892dup (p.Cys298fs)

Gene: GATA2 (GATA binding protein 2; minus strand). Cytogenetic location: 3q21.3.
Variant type: Duplication.
Coding change: c.892dup on transcript NM_032638.5 (MANE Select); coding-DNA position 892, one base duplicated (T; older notation c.892dupT).
Protein change: p.Cys298fs; shifts the reading frame from cysteine 298.
Molecular consequence: frameshift variant.
Genome position (GRCh38, 1-based): chr3:128,483,985, A duplicated on the plus strand (T on the coding strand, the reverse complement: GATA2 is on the minus strand). VCF-style (leftmost placement, unchanged base first): chr3-128483984-C-CA. GRCh37 (hg19) VCF-style: chr3-128202827-C-CA.
Other names: c.892dup, p.Cys298fs (NM_001145661.2, NM_001145662.1); short protein forms C298fs.
Identifiers: ClinVar variation 1184236 (VCV001184236.1), dbSNP rs2107670484, ClinGen allele CA2499216464.